The following is an entry in ClinVar:

ClinVar aggregate classification (germline): Uncertain significance (1 of 4 stars; one submission).

Conditions:
Emery-Dreifuss muscular dystrophy 5, autosomal dominant (EDMD5). Also called: EMERY-DREIFUSS MUSCULAR DYSTROPHY 5. Identifiers: Orphanet 261, MedGen C2751805, MONDO:0013072, OMIM 612999.

Allele frequency attached by ClinVar (database versions not stated): gnomAD exomes below 0.00001; ExAC 0.00001.
gnomAD v4.1: 1 of 1,614,098 alleles (0.000062%); highest among the groups gnomAD compares: Admixed American, 0.0017%; no homozygotes.

Submission:

Labcorp Genetics (formerly Invitae), Labcorp
Classification: Uncertain significance for Emery-Dreifuss muscular dystrophy 5, autosomal dominant. Last evaluated: 2022-04-04. Review status: criteria provided, single submitter. Criteria: Invitae Variant Classification Sherloc (09022015). Collection method: clinical testing. Allele origin: germline.
Comment: This sequence change replaces glutamic acid, which is acidic and polar, with glycine, which is neutral and non-polar, at codon 1971 of the SYNE2 protein (p.Glu1971Gly). This variant is present in population databases (rs750274022, gnomAD 0.003%). This variant has not been reported in the literature in individuals affected with SYNE2-related conditions. Algorithms developed to predict the effect of missense changes on protein structure and function output the following: SIFT: "Tolerated"; PolyPhen-2: "Benign"; Align-GVGD: "Class C0". The glycine amino acid residue is found in multiple mammalian species, which suggests that this missense change does not adversely affect protein function. In summary, the available evidence is currently insufficient to determine the role of this variant in disease. Therefore, it has been classified as a Variant of Uncertain Significance.

NM_182914.3(SYNE2):c.5912A>G (p.Glu1971Gly)

Gene: SYNE2 (spectrin repeat containing nuclear envelope protein 2; plus strand). Cytogenetic location: 14q23.2.
Variant type: single nucleotide variant.
Coding change: c.5912A>G on transcript NM_182914.3 (MANE Select); coding-DNA position 5912, A replaced by G.
Protein change: p.Glu1971Gly; replaces glutamic acid 1971 with glycine.
Molecular consequence: missense variant.
Genome position (GRCh38, 1-based): chr14:64,024,983, A>G. VCF-style: chr14-64024983-A-G. GRCh37 (hg19) VCF-style: chr14-64491701-A-G.
Other names: c.5912A>G, p.Glu1971Gly (NM_015180.6); short protein forms E1971G.
Identifiers: ClinVar variation 2145345 (VCV002145345.4), dbSNP rs750274022, ClinGen allele CA7220589.